The following is an entry in ClinVar:

ClinVar aggregate classification (germline): Pathogenic/Likely pathogenic. Review status: criteria provided, multiple submitters, no conflicts (2 of 4 stars). 7 submissions from 7 submitters: Pathogenic (2); Likely pathogenic (3). 2 of the submissions do not count toward it. Last evaluated 2025-12-08.

Conditions:
SLC2A9-related disorder. Also called: SLC2A9-related condition.
Hypouricemia, renal, 2. Also called: HYPOURICEMIA, RENAL, 2, AUTOSOMAL DOMINANT; HYPOURICEMIA, RENAL, 2, AUTOSOMAL RECESSIVE. Identifiers: MedGen C2677549, MONDO:0012793, OMIM 612076.

Submissions (7):

Labcorp Genetics (formerly Invitae), Labcorp
Classification: Pathogenic. Last evaluated: 2025-12-08. Review status: criteria provided, single submitter. Criteria: Invitae Variant Classification Sherloc (09022015). Collection method: clinical testing. Allele origin: germline.
Comment: This sequence change creates a premature translational stop signal (p.Ile119Hisfs*27) in the SLC2A9 gene. It is expected to result in an absent or disrupted protein product. Loss-of-function variants in SLC2A9 are known to be pathogenic (PMID: 19926891, 21256783, 21536615, 24628802). This variant is present in population databases (rs772429581, gnomAD 0.005%). This premature translational stop signal has been observed in individual(s) with clinical features of renal hypouricemia (PMID: 21256783). This variant is also known as p.I118HfsX27. ClinVar contains an entry for this variant (Variation ID: 350238). For these reasons, this variant has been classified as Pathogenic.

PreventionGenetics, part of Exact Sciences
Classification: Likely pathogenic for SLC2A9-related condition. Last evaluated: 2025-04-18. Review status: criteria provided, single submitter. Criteria: ACMG Guidelines, 2015. Collection method: clinical testing. Allele origin: germline.
Comment: The SLC2A9 c.354dupC variant is predicted to result in a frameshift and premature protein termination (p.Ile119Hisfs*27). This variant has been reported in the homozygous state in two siblings with renal hypouricemia (Stiburkova et al. 2011. PubMed ID: 21256783) and led to a significant decrease in urate uptake in a functional assay (Mancikova et al. 2016. PubMed ID: 26500098). This variant is reported in 0.0053% of alleles in individuals of European (non-Finnish) descent in gnomAD. Frameshift variants in SLC2A9 are expected to be pathogenic. This variant is interpreted as likely pathogenic.

Revvity Omics, Revvity
Classification: Likely pathogenic for Hypouricemia, renal, 2. Last evaluated: 2025-02-04. Review status: criteria provided, single submitter. Criteria: ACMG Guidelines, 2015. Collection method: clinical testing. Allele origin: germline.

CeGaT Center for Human Genetics Tuebingen
Classification: Likely pathogenic. Last evaluated: 2023-03-01. Review status: criteria provided, single submitter. Criteria: CeGaT Center For Human Genetics Tuebingen Variant Classification Criteria Version 2. Collection method: clinical testing. Allele origin: germline. Affected: yes. Observed: 2 variant alleles.
Comment: SLC2A9: PM2, PM3, PVS1:Moderate, PS3:Supporting

Fulgent Genetics
Classification: Pathogenic for Hypouricemia, renal, 2. Last evaluated: 2021-06-30. Review status: criteria provided, single submitter. Criteria: ACMG Guidelines, 2015. Collection method: clinical testing. Allele origin: unknown.
Comment: This variant has been detected in individual(s) who were sent for testing of Renasight - kidney gene panel.

OMIM
Classification: Pathogenic for HYPOURICEMIA, RENAL, 2, AUTOSOMAL RECESSIVE. Last evaluated: 2020-09-22. Review status: no assertion criteria provided. Collection method: literature only. Allele origin: germline. Not counted in ClinVar's aggregate classification.

Bioscientia Institut fuer Medizinische Diagnostik GmbH, Sonic Healthcare
Classification: Pathogenic for Hypouricemia, renal, 2. Last evaluated: 2019-11-05. Review status: no assertion criteria provided. Collection method: clinical testing. Allele origin: germline. Affected: yes. Not counted in ClinVar's aggregate classification.

Literature cited by the submitters: PubMed 19926891 (cited by Labcorp Genetics (formerly Invitae), Labcorp); PubMed 21256783 (cited by Labcorp Genetics (formerly Invitae), Labcorp and OMIM); PubMed 21536615 (cited by Labcorp Genetics (formerly Invitae), Labcorp); PubMed 24628802 (cited by Labcorp Genetics (formerly Invitae), Labcorp).

NM_020041.3(SLC2A9):c.354dup (p.Ile119fs)

Genes: SLC2A9 (solute carrier family 2 member 9; minus strand), SLC2A9-AS1 (SLC2A9 antisense RNA 1; plus strand). Cytogenetic location: 4p16.1.
Variant type: Duplication.
Coding change: c.354dup on transcript NM_020041.3 (MANE Select); coding-DNA position 354, one base duplicated (C; older notation c.354dupC).
Protein change: p.Ile119fs; shifts the reading frame from isoleucine 119.
Molecular consequence: frameshift variant.
Genome position (GRCh38, 1-based): chr4:9,996,837, G duplicated on the plus strand (C on the coding strand, the reverse complement: SLC2A9 is on the minus strand); the first of 2 consecutive G bases (chr4:9,996,837-9,996,838); duplicating either gives the same sequence. VCF-style (leftmost placement, unchanged base first): chr4-9996836-T-TG. GRCh37 (hg19) VCF-style: chr4-9998460-T-TG.
Other names: c.354dup (NM_020041.2); c.267dup, p.Ile90fs (NM_001001290.2); short protein forms I90fs, I119fs.
Identifiers: ClinVar variation 350238 (VCV000350238.47), dbSNP rs772429581, ClinGen allele CA2857267.